The following is an entry in ClinVar:

NM_024589.3(ROGDI):c.76G>C (p.Glu26Gln)

Gene: ROGDI (rogdi atypical leucine zipper; minus strand). Cytogenetic location: 16p13.3.
Variant type: single nucleotide variant.
Coding change: c.76G>C on transcript NM_024589.3 (MANE Select); coding-DNA position 76, G replaced by C.
Protein change: p.Glu26Gln; replaces glutamic acid 26 with glutamine.
Molecular consequence: missense variant. On other transcripts: non-coding transcript variant (1).
Genome position (GRCh38, 1-based): chr16:4,802,423, C>G on the plus strand (G>C on the coding strand, the complement: ROGDI is on the minus strand). VCF-style: chr16-4802423-C-G. GRCh37 (hg19) VCF-style: chr16-4852424-C-G.
Other names: short protein forms E26Q.
Identifiers: ClinVar variation 1000312 (VCV001000312.8), dbSNP rs868321489, ClinGen allele CA394656608.
Genomic context (GRCh38, chr16:4,802,423, plus strand): 5'-GCAGGGCGCGGGTCGTTACCTTGAGGATGTCCTGCAGCTGCTTCAACACAGCGTGCACCT[C>G]GTCGTGCAGCAGCCAGCGGAACTCCTCCTCCTGCGGGACAGACCCGGCGGTCGCGCCCGG-3'
Protein context (NP_078865.1, residues 16-36): EEEFRWLLHD[Glu26Gln]VHAVLKQLQD

ClinVar aggregate classification (germline): Uncertain significance (1 of 4 stars; one submission).

Conditions:
Amelocerebrohypohidrotic syndrome (KTZS). Also called: KOHLSCHUTTER SYNDROME; EPILEPSY AND YELLOW TEETH; EPILEPSY, DEMENTIA, AND AMELOGENESIS IMPERFECTA; Kohlschutter's syndrome. Identifiers: Orphanet 1946, MedGen C0406740, MONDO:0009185, OMIM 226750.

gnomAD v4.1: 1 of 1,509,936 alleles (0.000066%); highest among the groups gnomAD compares: Non-Finnish European, 0.000088%; no homozygotes.

Submission:

Labcorp Genetics (formerly Invitae), Labcorp
Classification: Uncertain significance for Amelocerebrohypohidrotic syndrome. Last evaluated: 2022-02-05. Review status: criteria provided, single submitter. Criteria: Invitae Variant Classification Sherloc (09022015). Collection method: clinical testing. Allele origin: germline.
Comment: This sequence change replaces glutamic acid, which is acidic and polar, with glutamine, which is neutral and polar, at codon 26 of the ROGDI protein (p.Glu26Gln). This variant is not present in population databases (gnomAD no frequency). This variant has not been reported in the literature in individuals affected with ROGDI-related conditions. ClinVar contains an entry for this variant (Variation ID: 1000312). Algorithms developed to predict the effect of missense changes on protein structure and function are either unavailable or do not agree on the potential impact of this missense change (SIFT: "Deleterious"; PolyPhen-2: "Probably Damaging"; Align-GVGD: "Class C0"). In summary, the available evidence is currently insufficient to determine the role of this variant in disease. Therefore, it has been classified as a Variant of Uncertain Significance.